The following is an entry in ClinVar:

ClinVar aggregate classification (germline): Uncertain significance (1 of 4 stars; one submission).

Conditions:
Inborn genetic diseases. Identifiers: MedGen C0950123, MeSH D030342.

Submission:

Ambry Genetics
Classification: Uncertain significance for Inborn genetic diseases. Last evaluated: 2016-12-23. Review status: criteria provided, single submitter. Criteria: Ambry Variant Classification Scheme 2023. Collection method: clinical testing. Allele origin: germline.
Comment: The p.K1032E variant (also known as c.3094A>G), located in coding exon 6 of the NHS gene, results from an A to G substitution at nucleotide position 3094. The lysine at codon 1032 is replaced by glutamic acid, an amino acid with similar properties. This amino acid position is highly conserved in available vertebrate species. In addition, this alteration is predicted to be deleterious by in silico analysis. Since supporting evidence is limited at this time, the clinical significance of this alteration remains unclear.

NM_001291867.2(NHS):c.3157A>G (p.Lys1053Glu)

Gene: NHS (NHS actin remodeling regulator; plus strand). Cytogenetic location: Xp22.13.
Variant type: single nucleotide variant.
Coding change: c.3157A>G on transcript NM_001291867.2 (MANE Select); coding-DNA position 3157, A replaced by G.
Protein change: p.Lys1053Glu; replaces lysine 1053 with glutamic acid.
Molecular consequence: missense variant.
Genome position (GRCh38, 1-based): chrX:17,727,263, A>G. VCF-style: chrX-17727263-A-G. GRCh37 (hg19) VCF-style: chrX-17745383-A-G.
Other names: c.2626A>G, p.Lys876Glu (NM_001136024.4); c.2563A>G, p.Lys855Glu (NM_001291868.2); c.3094A>G, p.Lys1032Glu (NM_198270.4); short protein forms K1032E, K1053E, K855E, K876E.
Identifiers: ClinVar variation 588588 (VCV000588588.5), dbSNP rs1569320224, ClinGen allele CA412362370.